The following is an entry in ClinVar:

NM_024334.3(TMEM43):c.777C>G (p.His259Gln)

Gene: TMEM43 (transmembrane protein 43; plus strand). Cytogenetic location: 3p25.1.
Variant type: single nucleotide variant.
Coding change: c.777C>G on transcript NM_024334.3 (MANE Select); coding-DNA position 777, C replaced by G.
Protein change: p.His259Gln; replaces histidine 259 with glutamine.
Molecular consequence: missense variant. On other transcripts: intron variant (1).
Genome position (GRCh38, 1-based): chr3:14,135,229, C>G. VCF-style: chr3-14135229-C-G. GRCh37 (hg19) VCF-style: chr3-14176729-C-G.
Other names: c.780C>G, p.His260Gln (NM_001407274.1); c.777C>G, p.His259Gln (NM_001407275.1, NM_001407276.1, NM_001407277.1); c.762C>G, p.His254Gln (NM_001407278.1); c.627C>G, p.His209Gln (NM_001407280.1); c.705+338C>G (NM_001407279.1); short protein forms H209Q, H259Q, H260Q, H254Q.
Identifiers: ClinVar variation 4615104 (VCV004615104.1).
Genomic context (GRCh38, chr3:14,135,229, plus strand): 5'-GCGTGTCTCCTTTTCCTATGCTGGACTGAGCGGCGATGACCCTGACCTGGGCCCAGCTCA[C>G]GTGGTAACCTGGCTTCCCAGGGGCAGACACTAAGTCAGAGCCTCACGACTTTCCTGGACA-3'
Protein context (NP_077310.1, residues 249-269): SGDDPDLGPA[His259Gln]VVTVIARQRG

ClinVar aggregate classification (germline): Uncertain significance (1 of 4 stars; one submission).

Conditions:
Cardiovascular phenotype. Identifiers: MedGen CN230736.

Submission:

Ambry Genetics
Classification: Uncertain significance for Cardiovascular phenotype. Last evaluated: 2025-10-06. Review status: criteria provided, single submitter. Criteria: Ambry Variant Classification Scheme 2023. Collection method: clinical testing. Allele origin: germline.
Comment: The p.H259Q variant (also known as c.777C>G), located in coding exon 9 of the TMEM43 gene, results from a C to G substitution at nucleotide position 777. The histidine at codon 259 is replaced by glutamine, an amino acid with highly similar properties. This amino acid position is highly conserved in available vertebrate species. In addition, this alteration is predicted to be tolerated by in silico analysis. Based on the available evidence, the clinical significance of this variant remains unclear.